The following is an entry in ClinVar:

ClinVar aggregate classification (germline): Uncertain significance (1 of 4 stars; one submission).

Allele frequency attached by ClinVar (database versions not stated): gnomAD exomes below 0.00001; gnomAD 0.00001.
gnomAD v4.1: 3 of 1,612,736 alleles (0.00019%); highest among the groups gnomAD compares: East Asian, 0.0022%; no homozygotes.

Submission:

Labcorp Genetics (formerly Invitae), Labcorp
Classification: Uncertain significance. Last evaluated: 2022-02-28. Review status: criteria provided, single submitter. Criteria: Invitae Variant Classification Sherloc (09022015). Collection method: clinical testing. Allele origin: germline.
Comment: In summary, the available evidence is currently insufficient to determine the role of this variant in disease. Therefore, it has been classified as a Variant of Uncertain Significance. Algorithms developed to predict the effect of missense changes on protein structure and function (SIFT, PolyPhen-2, Align-GVGD) all suggest that this variant is likely to be tolerated. This variant has not been reported in the literature in individuals affected with VPS13A-related conditions. This variant is present in population databases (no rsID available, gnomAD 0.005%). This sequence change replaces isoleucine, which is neutral and non-polar, with valine, which is neutral and non-polar, at codon 1558 of the VPS13A protein (p.Ile1558Val).

NM_033305.3(VPS13A):c.4672A>G (p.Ile1558Val)

Gene: VPS13A (vacuolar protein sorting 13 homolog A; plus strand). Cytogenetic location: 9q21.2.
Variant type: single nucleotide variant.
Coding change: c.4672A>G on transcript NM_033305.3 (MANE Select); coding-DNA position 4672, A replaced by G.
Protein change: p.Ile1558Val; replaces isoleucine 1558 with valine.
Molecular consequence: missense variant.
Genome position (GRCh38, 1-based): chr9:77,316,215, A>G. VCF-style: chr9-77316215-A-G. GRCh37 (hg19) VCF-style: chr9-79931131-A-G.
Other names: c.4555A>G, p.Ile1519Val (NM_001018037.2); c.4672A>G, p.Ile1558Val (NM_001018038.3, NM_015186.4); short protein forms I1558V, I1519V.
Identifiers: ClinVar variation 2030676 (VCV002030676.4), dbSNP rs1478214129, ClinGen allele CA373857069.